The following is an entry in ClinVar:

NM_017852.5(NLRP2):c.990C>A (p.Ala330=)

Gene: NLRP2 (NLR family pyrin domain containing 2; plus strand). Cytogenetic location: 19q13.42.
Variant type: single nucleotide variant.
Coding change: c.990C>A on transcript NM_017852.5 (MANE Select); coding-DNA position 990, C replaced by A.
Protein change: p.Ala330=; no amino-acid change (alanine 330 retained).
Molecular consequence: synonymous variant. On other transcripts: non-coding transcript variant (1).
Genome position (GRCh38, 1-based): chr19:54,982,688, C>A. VCF-style: chr19-54982688-C-A. GRCh37 (hg19) VCF-style: chr19-55494056-C-A.
Other names: c.990C>A, p.Ala330= (NM_001174081.3); c.924C>A, p.Ala308= (NM_001174082.3); c.921C>A, p.Ala307= (NM_001174083.2); c.981C>A, p.Ala327= (NM_001348003.2).
Identifiers: ClinVar variation 3049242 (VCV003049242.2), dbSNP rs375621121, ClinGen allele CA310103463.

ClinVar aggregate classification (germline): Likely benign (0 of 4 stars; one submission).

Conditions:
NLRP2-related disorder. Also called: NLRP2-related condition.

gnomAD v4.1: 43 of 1,613,972 alleles (0.0027%); highest among the groups gnomAD compares: Non-Finnish European, 0.0031%; no homozygotes.

Submission:

PreventionGenetics, part of Exact Sciences
Classification: Likely benign for NLRP2-related condition. Last evaluated: 2022-05-20. Review status: no assertion criteria provided. Collection method: clinical testing. Allele origin: germline.
Comment: This variant is classified as likely benign based on ACMG/AMP sequence variant interpretation guidelines (Richards et al. 2015 PMID: 25741868, with internal and published modifications).